The following is an entry in ClinVar:

NM_005633.4(SOS1):c.1996G>A (p.Gly666Arg)

Gene: SOS1 (SOS Ras/Rac guanine nucleotide exchange factor 1; minus strand). Cytogenetic location: 2p22.1.
Variant type: single nucleotide variant.
Coding change: c.1996G>A on transcript NM_005633.4 (MANE Select); coding-DNA position 1996, G replaced by A.
Protein change: p.Gly666Arg; replaces glycine 666 with arginine.
Molecular consequence: missense variant.
Genome position (GRCh38, 1-based): chr2:39,013,934, C>T on the plus strand (G>A on the coding strand, the complement: SOS1 is on the minus strand). VCF-style: chr2-39013934-C-T. GRCh37 (hg19) VCF-style: chr2-39241075-C-T.
Other names: c.1975G>A, p.Gly659Arg (NM_001382394.1); c.1996G>A, p.Gly666Arg (NM_001382395.1); short protein forms G659R, G666R.
Identifiers: ClinVar variation 3447307 (VCV003447307.1).

ClinVar aggregate classification (germline): Uncertain significance (1 of 4 stars; one submission).

Conditions:
Cardiovascular phenotype. Identifiers: MedGen CN230736.

Submission:

Ambry Genetics
Classification: Uncertain significance for Cardiovascular phenotype. Last evaluated: 2024-08-19. Review status: criteria provided, single submitter. Criteria: Ambry Variant Classification Scheme 2023. Collection method: clinical testing. Allele origin: germline.
Comment: The p.G666R variant (also known as c.1996G>A), located in coding exon 12 of the SOS1 gene, results from a G to A substitution at nucleotide position 1996. The glycine at codon 666 is replaced by arginine, an amino acid with dissimilar properties. This amino acid position is conserved. In addition, the in silico prediction for this alteration is inconclusive. Based on the available evidence, the clinical significance of this variant remains unclear.